The following is an entry in ClinVar:

NM_000135.4(FANCA):c.3745C>G (p.Leu1249Val)

Gene: FANCA (FA complementation group A; minus strand). Cytogenetic location: 16q24.3.
Variant type: single nucleotide variant.
Coding change: c.3745C>G on transcript NM_000135.4 (MANE Select); coding-DNA position 3745, C replaced by G.
Protein change: p.Leu1249Val; replaces leucine 1249 with valine.
Molecular consequence: missense variant.
Genome position (GRCh38, 1-based): chr16:89,742,820, G>C on the plus strand (C>G on the coding strand, the complement: FANCA is on the minus strand). VCF-style: chr16-89742820-G-C. GRCh37 (hg19) VCF-style: chr16-89809228-G-C.
Other names: c.3745C>G, p.Leu1249Val (NM_001286167.3); short protein forms L1249V.
Identifiers: ClinVar variation 3653138 (VCV003653138.2).

ClinVar aggregate classification (germline): Uncertain significance (1 of 4 stars; one submission).

Conditions:
Fanconi anemia (FA). Also called: Fanconi's anemia. Identifiers: Orphanet 84, MedGen C0015625, MeSH D005199, MONDO:0019391.

Submission:

Labcorp Genetics (formerly Invitae), Labcorp
Classification: Uncertain significance for Fanconi anemia. Last evaluated: 2024-05-31. Review status: criteria provided, single submitter. Criteria: Invitae Variant Classification Sherloc (09022015). Collection method: clinical testing. Allele origin: germline.
Comment: This sequence change replaces leucine, which is neutral and non-polar, with valine, which is neutral and non-polar, at codon 1249 of the FANCA protein (p.Leu1249Val). This variant is present in population databases (rs756892579, gnomAD 0.003%). This variant has not been reported in the literature in individuals affected with FANCA-related conditions. Advanced modeling of protein sequence and biophysical properties (such as structural, functional, and spatial information, amino acid conservation, physicochemical variation, residue mobility, and thermodynamic stability) has been performed at Invitae for this missense variant, however the output from this modeling did not meet the statistical confidence thresholds required to predict the impact of this variant on FANCA protein function. In summary, the available evidence is currently insufficient to determine the role of this variant in disease. Therefore, it has been classified as a Variant of Uncertain Significance.